The following is an entry in ClinVar:

ClinVar aggregate classification (germline): Uncertain significance. Review status: criteria provided, multiple submitters, no conflicts (2 of 4 stars). 3 submissions from 3 submitters: Uncertain significance (2). 1 of the submissions does not count toward it. Last evaluated 2023-03-15.

Conditions:
Cardiomyopathy (CMYO). Also called: Cardiomyopathies. Identifiers: Orphanet 167848, MedGen C0878544, MONDO:0004994, HP:0001638. Inheritance: Various modes of inheritance.
Duchenne muscular dystrophy (DMD). Also called: MUSCULAR DYSTROPHY, PSEUDOHYPERTROPHIC PROGRESSIVE, DUCHENNE TYPE; Duchenne Muscular Dystrophy (DMD). Identifiers: Orphanet 98896, MedGen C0013264, MONDO:0010679, OMIM 310200.
Becker muscular dystrophy (BMD). Also called: MUSCULAR DYSTROPHY, PSEUDOHYPERTROPHIC PROGRESSIVE, BECKER TYPE; Becker Muscular Dystrophy (BMD). Identifiers: Orphanet 98895, MedGen C0917713, MONDO:0010311, OMIM 300376.
Dystrophin deficiency.

Submissions (3):

Labcorp Genetics (formerly Invitae), Labcorp
Classification: Uncertain significance for Duchenne muscular dystrophy. Last evaluated: 2023-03-15. Review status: criteria provided, single submitter. Criteria: Invitae Variant Classification Sherloc (09022015). Collection method: clinical testing. Allele origin: germline.
Comment: This variant has not been reported in the literature in individuals affected with DMD-related conditions. This sequence change replaces serine, which is neutral and polar, with asparagine, which is neutral and polar, at codon 1953 of the DMD protein (p.Ser1953Asn). The frequency data for this variant in the population databases is considered unreliable, as metrics indicate poor data quality at this position in the gnomAD database. ClinVar contains an entry for this variant (Variation ID: 594140). Advanced modeling of protein sequence and biophysical properties (such as structural, functional, and spatial information, amino acid conservation, physicochemical variation, residue mobility, and thermodynamic stability) performed at Invitae indicates that this missense variant is not expected to disrupt DMD protein function. In summary, the available evidence is currently insufficient to determine the role of this variant in disease. Therefore, it has been classified as a Variant of Uncertain Significance.

Eurofins Ntd Llc (ga)
Classification: Uncertain significance. Last evaluated: 2017-09-29. Review status: criteria provided, single submitter. Criteria: EGL Classification Definitions 2015. Collection method: clinical testing. Allele origin: germline. Observed: 1 variant allele, 1 hemizygote.

Natera, Inc.
Classification: Uncertain significance for Becker muscular dystrophy; Cardiomyopathy; Duchenne muscular dystrophy; Dystrophin deficiency. Last evaluated: 2021-09-05. Review status: no assertion criteria provided. Collection method: clinical testing. Allele origin: germline. Not counted in ClinVar's aggregate classification.

NM_004006.3(DMD):c.5858G>A (p.Ser1953Asn)

Gene: DMD (dystrophin; minus strand). Cytogenetic location: Xp21.1.
Variant type: single nucleotide variant.
Coding change: c.5858G>A on transcript NM_004006.3 (MANE Select); coding-DNA position 5858, G replaced by A.
Protein change: p.Ser1953Asn; replaces serine 1953 with asparagine.
Molecular consequence: missense variant.
Genome position (GRCh38, 1-based): chrX:32,342,164, C>T on the plus strand (G>A on the coding strand, the complement: DMD is on the minus strand). VCF-style: chrX-32342164-C-T. GRCh37 (hg19) VCF-style: chrX-32360281-C-T.
Other names: c.5834G>A, p.Ser1945Asn (NM_000109.4); c.5846G>A, p.Ser1949Asn (NM_004009.3); c.5489G>A, p.Ser1830Asn (NM_004010.3); c.1835G>A, p.Ser612Asn (NM_004011.4); c.1826G>A, p.Ser609Asn (NM_004012.4); short protein forms S1953N, S1945N, S1830N, S1949N, S609N, S612N.
Identifiers: ClinVar variation 594140 (VCV000594140.14), dbSNP rs1430944728, ClinGen allele CA412664915.